The following is an entry in ClinVar:

NM_001291303.3(FAT4):c.1432C>G (p.Gln478Glu)

Gene: FAT4 (FAT atypical cadherin 4; plus strand). Cytogenetic location: 4q28.1.
Variant type: single nucleotide variant.
Coding change: c.1432C>G on transcript NM_001291303.3 (MANE Select); coding-DNA position 1432, C replaced by G.
Protein change: p.Gln478Glu; replaces glutamine 478 with glutamic acid.
Molecular consequence: missense variant.
Genome position (GRCh38, 1-based): chr4:125,317,843, C>G. VCF-style: chr4-125317843-C-G. GRCh37 (hg19) VCF-style: chr4-126238998-C-G.
Other names: c.1432C>G (NM_024582.4, NM_001291303.1); c.1432C>G, p.Gln478Glu (NM_001291285.3, NM_024582.6); short protein forms Q478E.
Identifiers: ClinVar variation 1590579 (VCV001590579.11), dbSNP rs201892240, ClinGen allele CA3071988.

ClinVar aggregate classification (germline): Conflicting classifications of pathogenicity. Review status: criteria provided, conflicting classifications (1 of 4 stars). 4 submissions from 4 submitters: Uncertain significance (3); Likely benign (1). Last evaluated 2026-03-11.

Conditions:
Inborn genetic diseases. Identifiers: MedGen C0950123, MeSH D030342.
FAT4-related disorder. Also called: FAT4-related condition.

Allele frequency attached by ClinVar (database versions not stated): gnomAD exomes 0.00002 and 0.00003; ExAC 0.00006; ESP Exome Variant Server 0.00008; gnomAD 0.00019 and 0.00021; 1000 Genomes Project 0.00020; TOPMed 0.00022; 1000 Genomes Project 30x 0.00031.
gnomAD v4.1: 75 of 1,614,154 alleles (0.0046%); highest among the groups gnomAD compares: African/African-American, 0.08%; no homozygotes.

Submissions (4):

PreventionGenetics, part of Exact Sciences
Classification: Uncertain significance for FAT4-related condition. Last evaluated: 2026-03-11. Review status: criteria provided, single submitter. Criteria: ACMG Guidelines, 2015. Collection method: clinical testing. Allele origin: germline.
Comment: The FAT4 c.1432C>G variant is predicted to result in the amino acid substitution p.Gln478Glu. To our knowledge, this variant has not been reported in the literature. This variant is reported in 0.062% of alleles in individuals of African descent in gnomAD, which may be too common to be causative. Although we suspect that this variant may be benign, at this time, the clinical significance of this variant is uncertain due to the absence of conclusive functional and genetic evidence.

Women's Health and Genetics/Laboratory Corporation of America, LabCorp
Classification: Uncertain significance. Last evaluated: 2026-03-10. Review status: criteria provided, single submitter. Criteria: LabCorp Variant Classification Summary - May 2015. Collection method: clinical testing. Allele origin: germline.
Comment: Variant summary: FAT4 c.1432C>G (p.Gln478Glu) results in a conservative amino acid change in the encoded protein sequence. Algorithms developed to predict the effect of missense changes on protein structure and function all suggest that this variant is likely to be tolerated. The variant allele was found at a frequency of 3.2e-05 in 249606 control chromosomes. The available data on variant occurrences in the general population are insufficient to allow any conclusion about variant significance. To our knowledge, no occurrence of c.1432C>G in individuals affected with FAT4-related conditions and no experimental evidence demonstrating its impact on protein function have been reported. ClinVar contains an entry for this variant (Variation ID: 1590579). Based on the evidence outlined above, the variant was classified as uncertain significance.

Labcorp Genetics (formerly Invitae), Labcorp
Classification: Likely benign. Last evaluated: 2025-10-22. Review status: criteria provided, single submitter. Criteria: Invitae Variant Classification Sherloc (09022015). Collection method: clinical testing. Allele origin: germline.

Ambry Genetics
Classification: Uncertain significance for Inborn genetic diseases. Last evaluated: 2025-08-05. Review status: criteria provided, single submitter. Criteria: Ambry Variant Classification Scheme 2023. Collection method: clinical testing. Allele origin: germline.